The following is an entry in ClinVar:

NM_005883.3(APC2):c.5705G>A (p.Gly1902Asp)

Genes: APC2 (APC regulator of Wnt signaling pathway 2; plus strand), LOC130062956 (ATAC-STARR-seq lymphoblastoid silent region 9718; plus strand). Cytogenetic location: 19p13.3.
Variant type: single nucleotide variant.
Coding change: c.5705G>A on transcript NM_005883.3 (MANE Select); coding-DNA position 5705, G replaced by A.
Protein change: p.Gly1902Asp; replaces glycine 1902 with aspartic acid.
Molecular consequence: missense variant.
Genome position (GRCh38, 1-based): chr19:1,469,006, G>A. VCF-style: chr19-1469006-G-A. GRCh37 (hg19) VCF-style: chr19-1469005-G-A.
Other names: c.5702G>A, p.Gly1901Asp (NM_001351273.1); short protein forms G1901D, G1902D.
Identifiers: ClinVar variation 1976599 (VCV001976599.5), dbSNP rs2512542295, ClinGen allele CA403041751.
Genomic context (GRCh38, chr19:1,469,006, plus strand): 5'-CCTCCCAGCCCCTGCCCAGAAAGCGCCCCCCGGTCACCCAGGCTGCTGGGGCCCTGCCCG[G>A]CCCCGGAGCCTCCCCGGTGCCCAAAACGCCGGCGCGCACCCTTCTGGCGAAGCAGCACAA-3'
Protein context (NP_005874.1, residues 1892-1912): PVTQAAGALP[Gly1902Asp]PGASPVPKTP

ClinVar aggregate classification (germline): Uncertain significance (1 of 4 stars; one submission).

gnomAD v4.1: 2 of 1,554,100 alleles (0.00013%); highest among the groups gnomAD compares: Non-Finnish European, 0.000087%; no homozygotes.

Submission:

Labcorp Genetics (formerly Invitae), Labcorp
Classification: Uncertain significance. Last evaluated: 2025-02-24. Review status: criteria provided, single submitter. Criteria: Invitae Variant Classification Sherloc (09022015). Collection method: clinical testing. Allele origin: germline.
Comment: This sequence change replaces glycine, which is neutral and non-polar, with aspartic acid, which is acidic and polar, at codon 1902 of the APC2 protein (p.Gly1902Asp). This variant is not present in population databases (gnomAD no frequency). This variant has not been reported in the literature in individuals affected with APC2-related conditions. ClinVar contains an entry for this variant (Variation ID: 1976599). Invitae Evidence Modeling of protein sequence and biophysical properties (such as structural, functional, and spatial information, amino acid conservation, physicochemical variation, residue mobility, and thermodynamic stability) indicates that this missense variant is expected to disrupt APC2 protein function with a positive predictive value of 80%. In summary, the available evidence is currently insufficient to determine the role of this variant in disease. Therefore, it has been classified as a Variant of Uncertain Significance.